The following is an entry in ClinVar:

ClinVar aggregate classification (germline): Uncertain significance (1 of 4 stars; one submission).

Conditions:
Long QT syndrome (LQTS). Identifiers: MedGen C0023976, MeSH D008133, MONDO:0002442. Disease mechanism: loss of function. Inheritance: Various modes of inheritance.

Submission:

Labcorp Genetics (formerly Invitae), Labcorp
Classification: Uncertain significance for Long QT syndrome. Last evaluated: 2025-03-16. Review status: criteria provided, single submitter. Criteria: Invitae Variant Classification Sherloc (09022015). Collection method: clinical testing. Allele origin: germline.
Comment: This sequence change replaces arginine, which is basic and polar, with tryptophan, which is neutral and slightly polar, at codon 665 of the KCNH2 protein (p.Arg665Trp). This variant is not present in population databases (gnomAD no frequency). This variant has not been reported in the literature in individuals affected with KCNH2-related conditions. An algorithm developed to predict the effect of missense changes on protein structure and function (PolyPhen-2) suggests that this variant is likely to be disruptive. In summary, the available evidence is currently insufficient to determine the role of this variant in disease. Therefore, it has been classified as a Variant of Uncertain Significance.

NM_000238.4(KCNH2):c.1993C>T (p.Arg665Trp)

Gene: KCNH2 (potassium voltage-gated channel subfamily H member 2; minus strand). Cytogenetic location: 7q36.1.
Variant type: single nucleotide variant.
Coding change: c.1993C>T on transcript NM_000238.4 (MANE Select); coding-DNA position 1993, C replaced by T.
Protein change: p.Arg665Trp; replaces arginine 665 with tryptophan.
Molecular consequence: missense variant. On other transcripts: non-coding transcript variant (2).
Genome position (GRCh38, 1-based): chr7:150,951,073, G>A on the plus strand (C>T on the coding strand, the complement: KCNH2 is on the minus strand). VCF-style: chr7-150951073-G-A. GRCh37 (hg19) VCF-style: chr7-150648161-G-A.
Other names: c.973C>T, p.Arg325Trp (NM_001204798.2, NM_172057.3); c.1705C>T, p.Arg569Trp (NM_001406753.1, NM_001406756.1); c.1816C>T, p.Arg606Trp (NM_001406755.1); c.1693C>T, p.Arg565Trp (NM_001406757.1); c.1993C>T, p.Arg665Trp (NM_172056.3); short protein forms R569W, R325W, R565W, R606W, R665W.
Identifiers: ClinVar variation 4740083 (VCV004740083.1).
Genomic context (GRCh38, chr7:150,951,073, plus strand): 5'-GGATGAACTCCCGCACCCGCAGCATCTGTGTGTGGTAGCGGGCTGTGCCCGAGTACAGCC[G>A]CTGGATGATGGCCGACACGTTGCCGAAGATGCTAGCATACATGAGGGCTGGGGGCGTGGG-3'
Protein context (NP_000229.1, residues 655-675): IFGNVSAIIQ[Arg665Trp]LYSGTARYHT